The following is an entry in ClinVar:

ClinVar aggregate classification (germline): Uncertain significance (1 of 4 stars; one submission).

Allele frequency attached by ClinVar (database versions not stated): gnomAD exomes 0.00002 and 0.00003; TOPMed 0.00002; ExAC 0.00005.
gnomAD v4.1: 24 of 1,613,704 alleles (0.0015%); highest among the groups gnomAD compares: Non-Finnish European, 0.002%; no homozygotes.

Submission:

Laboratorio de Genetica e Diagnostico Molecular, Hospital Israelita Albert Einstein
Classification: Uncertain significance. Last evaluated: 2019-10-21. Review status: criteria provided, single submitter. Criteria: ACMG Guidelines, 2015. Collection method: clinical testing. Allele origin: germline. Affected: yes.
Comment: ACMG classification criteria: PP3

NM_001042681.2(RERE):c.1144C>T (p.Arg382Cys)

Gene: RERE (arginine-glutamic acid dipeptide repeats; minus strand). Cytogenetic location: 1p36.23.
Variant type: single nucleotide variant.
Coding change: c.1144C>T on transcript NM_001042681.2 (MANE Select); coding-DNA position 1144, C replaced by T.
Protein change: p.Arg382Cys; replaces arginine 382 with cysteine.
Molecular consequence: missense variant.
Genome position (GRCh38, 1-based): chr1:8,465,984, G>A on the plus strand (C>T on the coding strand, the complement: RERE is on the minus strand). VCF-style: chr1-8465984-G-A. GRCh37 (hg19) VCF-style: chr1-8526044-G-A.
Other names: c.1144C>T, p.Arg382Cys (NM_012102.4); short protein forms R382C.
Identifiers: ClinVar variation 1690717 (VCV001690717.2), dbSNP rs749081908, ClinGen allele CA571853.